The following is an entry in ClinVar:

NM_013266.4(CTNNA3):c.276G>C (p.Glu92Asp)

Gene: CTNNA3 (catenin alpha 3; minus strand). Cytogenetic location: 10q21.3.
Variant type: single nucleotide variant.
Coding change: c.276G>C on transcript NM_013266.4 (MANE Select); coding-DNA position 276, G replaced by C.
Protein change: p.Glu92Asp; replaces glutamic acid 92 with aspartic acid.
Molecular consequence: missense variant.
Genome position (GRCh38, 1-based): chr10:67,606,873, C>G on the plus strand (G>C on the coding strand, the complement: CTNNA3 is on the minus strand). VCF-style: chr10-67606873-C-G. GRCh37 (hg19) VCF-style: chr10-69366631-C-G.
Other names: c.276G>C, p.Glu92Asp (NM_001127384.3); c.312G>C, p.Glu104Asp (NM_001291133.2); short protein forms E104D, E92D.
Identifiers: ClinVar variation 2784720 (VCV002784720.3), dbSNP rs769594143, ClinGen allele CA5520673.

ClinVar aggregate classification (germline): Uncertain significance (1 of 4 stars; one submission).

Conditions:
Arrhythmogenic right ventricular dysplasia 13. Also called: ARRHYTHMOGENIC RIGHT VENTRICULAR CARDIOMYOPATHY 13; Arrhythmogenic right ventricular dysplasia, familial, 13. Identifiers: MedGen C3810138, MONDO:0000908, OMIM 615616.

Allele frequency attached by ClinVar (database versions not stated): gnomAD exomes below 0.00001; ExAC 0.00001.
gnomAD v4.1: 1 of 1,613,446 alleles (0.000062%); highest among the groups gnomAD compares: Non-Finnish European, 0.000085%; no homozygotes.

Submission:

Labcorp Genetics (formerly Invitae), Labcorp
Classification: Uncertain significance for Arrhythmogenic right ventricular dysplasia 13. Last evaluated: 2023-07-25. Review status: criteria provided, single submitter. Criteria: Invitae Variant Classification Sherloc (09022015). Collection method: clinical testing. Allele origin: germline.
Comment: In summary, the available evidence is currently insufficient to determine the role of this variant in disease. Therefore, it has been classified as a Variant of Uncertain Significance. Advanced modeling of protein sequence and biophysical properties (such as structural, functional, and spatial information, amino acid conservation, physicochemical variation, residue mobility, and thermodynamic stability) performed at Invitae indicates that this missense variant is not expected to disrupt CTNNA3 protein function. This variant has not been reported in the literature in individuals affected with CTNNA3-related conditions. This variant is present in population databases (rs769594143, gnomAD 0.0009%). This sequence change replaces glutamic acid, which is acidic and polar, with aspartic acid, which is acidic and polar, at codon 92 of the CTNNA3 protein (p.Glu92Asp).